The following is an entry in ClinVar:

ClinVar aggregate classification (germline): Uncertain significance (1 of 4 stars; one submission).

Allele frequency attached by ClinVar (database versions not stated): TOPMed 0.00002; gnomAD 0.00005; ExAC 0.00002.
gnomAD v4.1: 63 of 1,613,166 alleles (0.0039%); highest among the groups gnomAD compares: Non-Finnish European, 0.0046%; no homozygotes.

Submission:

GeneDx
Classification: Uncertain significance. Last evaluated: 2025-09-24. Review status: criteria provided, single submitter. Criteria: GeneDx Variant Classification Process June 2021. Collection method: clinical testing. Allele origin: germline.
Comment: In silico analysis suggests that this missense variant does not alter protein structure/function; Has not been previously published as pathogenic or benign to our knowledge

NM_138691.3(TMC1):c.2231G>A (p.Arg744Gln)

Gene: TMC1 (transmembrane channel like 1; plus strand). Cytogenetic location: 9q21.13.
Variant type: single nucleotide variant.
Coding change: c.2231G>A on transcript NM_138691.3 (MANE Select); coding-DNA position 2231, G replaced by A.
Protein change: p.Arg744Gln; replaces arginine 744 with glutamine.
Molecular consequence: missense variant.
Genome position (GRCh38, 1-based): chr9:72,830,653, G>A. VCF-style: chr9-72830653-G-A. GRCh37 (hg19) VCF-style: chr9-75445569-G-A.
Other names: short protein forms R744Q.
Identifiers: ClinVar variation 1800521 (VCV001800521.2), dbSNP rs756166626, ClinGen allele CA5082199.